The following is an entry in ClinVar:

ClinVar aggregate classification (germline): Conflicting classifications of pathogenicity. Review status: criteria provided, conflicting classifications (1 of 4 stars). 2 submissions from 2 submitters: Uncertain significance (1); Likely benign (1). Last evaluated 2023-03-01.

Allele frequency attached by ClinVar (database versions not stated): TOPMed 0.00004; gnomAD 0.00005; gnomAD exomes 0.00005; ESP Exome Variant Server 0.00009.
gnomAD v4.1: 56 of 1,191,025 alleles (0.0047%); highest among the groups gnomAD compares: Non-Finnish European, 0.006%; no homozygotes.

Submissions (2):

CeGaT Center for Human Genetics Tuebingen
Classification: Likely benign. Last evaluated: 2023-03-01. Review status: criteria provided, single submitter. Criteria: CeGaT Center For Human Genetics Tuebingen Variant Classification Criteria Version 2. Collection method: clinical testing. Allele origin: germline. Affected: yes. Observed: 1 variant allele.
Comment: MXRA5: BP4, BS2

Ambry Genetics
Classification: Uncertain significance. Last evaluated: 2023-02-16. Review status: criteria provided, single submitter. Criteria: Ambry Variant Classification Scheme 2023. Collection method: clinical testing. Allele origin: germline.

NM_015419.4(MXRA5):c.5693C>G (p.Pro1898Arg)

Gene: MXRA5 (matrix remodeling associated 5; minus strand). Cytogenetic location: Xp22.33.
Variant type: single nucleotide variant.
Coding change: c.5693C>G on transcript NM_015419.4 (MANE Select); coding-DNA position 5693, C replaced by G.
Protein change: p.Pro1898Arg; replaces proline 1898 with arginine.
Molecular consequence: missense variant.
Genome position (GRCh38, 1-based): chrX:3,317,988, G>C on the plus strand (C>G on the coding strand, the complement: MXRA5 is on the minus strand). VCF-style: chrX-3317988-G-C. GRCh37 (hg19) VCF-style: chrX-3236029-G-C.
Other names: short protein forms P1898R.
Identifiers: ClinVar variation 2467929 (VCV002467929.26), dbSNP rs139703919, ClinGen allele CA10339731.
Genomic context (GRCh38, chrX:3,317,988, plus strand): 5'-ACCTTCCGTATCACTAAGGTACCGTTCTTGAGAACCTCAAACCGTTGTATCCTGGTATTC[G>C]GAGTCATAAGAGCTCCTGGAGAAAATTAACACAGTCAGCTTTGGCATAAACTGTGCCCTT-3'
Protein context (NP_056234.2, residues 1888-1908): TKVSTGALMT[Pro1898Arg]NTRIQRFEVL